The following is an entry in ClinVar:

ClinVar aggregate classification (germline): Uncertain significance. Review status: criteria provided, multiple submitters, no conflicts (2 of 4 stars). 7 submissions from 7 submitters: Uncertain significance (7). Last evaluated 2026-03-31.

Conditions:
Polymicrogyria with or without vascular-type Ehlers-Danlos syndrome. Identifiers: Orphanet 636941, MedGen C5193040, MONDO:0032688, OMIM 618343.
Ehlers-Danlos syndrome, type 4 (EDSVASC). Also called: Ehlers-Danlos syndrome vascular type; Ehlers Danlos syndrome, ecchymotic type; Ehlers Danlos syndrome, arterial type; Ehlers Danlos syndrome, Sack-Barabas type; Ehlers-Danlos Syndrome Type IV. Identifiers: Orphanet 286, MedGen C0268338, MONDO:0017314, OMIM 130050.
Familial thoracic aortic aneurysm and aortic dissection (TAAD). Also called: Thoracic aortic aneurysms and dissections. Identifiers: Orphanet 91387, MedGen C4707243, MONDO:0019625.

Allele frequency attached by ClinVar (database versions not stated): ExAC 0.00001; gnomAD 0.00001; gnomAD exomes 0.00001; TOPMed 0.00001.
gnomAD v4.1: 7 of 1,614,056 alleles (0.00043%); highest among the groups gnomAD compares: Non-Finnish European, 0.00059%; no homozygotes.

Submissions (7):

GeneDx
Classification: Uncertain significance. Last evaluated: 2026-03-31. Review status: criteria provided, single submitter. Criteria: GeneDx Variant Classification Process June 2021. Collection method: clinical testing. Allele origin: germline.
Comment: Not observed at significant frequency in large population cohorts (gnomAD); In silico analysis supports that this missense variant has a deleterious effect on protein structure/function; Occurs in the triple helical domain at the X position in the canonical Gly-X-Y repeat; although this variant may have an effect on normal protein folding and function, missense substitution at the X position is not a common mechanism of disease (HGMD); Has not been previously published as pathogenic or benign to our knowledge

Ambry Genetics
Classification: Uncertain significance for Familial thoracic aortic aneurysm and aortic dissection. Last evaluated: 2026-03-23. Review status: criteria provided, single submitter. Criteria: Ambry Variant Classification Scheme 2023. Collection method: clinical testing. Allele origin: germline.

Labcorp Genetics (formerly Invitae), Labcorp
Classification: Uncertain significance for Ehlers-Danlos syndrome, type 4. Last evaluated: 2025-08-29. Review status: criteria provided, single submitter. Criteria: Invitae Variant Classification Sherloc (09022015). Collection method: clinical testing. Allele origin: germline.
Comment: This sequence change replaces proline, which is neutral and non-polar, with leucine, which is neutral and non-polar, at codon 1189 of the COL3A1 protein (p.Pro1189Leu). This variant is present in population databases (rs752598062, gnomAD 0.003%). This variant has not been reported in the literature in individuals affected with COL3A1-related conditions. ClinVar contains an entry for this variant (Variation ID: 529322). Invitae Evidence Modeling of protein sequence and biophysical properties (such as structural, functional, and spatial information, amino acid conservation, physicochemical variation, residue mobility, and thermodynamic stability) indicates that this missense variant is not expected to disrupt COL3A1 protein function with a negative predictive value of 95%. In summary, the available evidence is currently insufficient to determine the role of this variant in disease. Therefore, it has been classified as a Variant of Uncertain Significance.

Color Diagnostics, LLC DBA Color Health
Classification: Uncertain significance for Familial thoracic aortic aneurysm and aortic dissection. Last evaluated: 2024-03-06. Review status: criteria provided, single submitter. Criteria: ACMG Guidelines, 2015. Collection method: clinical testing. Allele origin: germline.
Comment: This missense variant replaces proline with leucine at codon 1189 of the COL3A1 protein. Computational prediction is inconclusive regarding the impact of this variant on protein structure and function (internally defined REVEL score threshold 0.5 < inconclusive < 0.7, PMID: 27666373). To our knowledge, functional studies have not been reported for this variant. This variant has not been reported in individuals affected with cardiovascular disorders in the literature. This variant has been identified in 3/251250 chromosomes in the general population by the Genome Aggregation Database (gnomAD). The available evidence is insufficient to determine the role of this variant in disease conclusively. Therefore, this variant is classified as a Variant of Uncertain Significance.

All of Us Research Program, National Institutes of Health
Classification: Uncertain significance for Ehlers-Danlos syndrome, type 4. Last evaluated: 2024-01-11. Review status: criteria provided, single submitter. Criteria: ACMG Guidelines, 2015. Collection method: clinical testing. Allele origin: germline. Inheritance: Autosomal dominant inheritance. Observed: 3 variant alleles, 3 heterozygotes.
Comment: This missense variant replaces proline with leucine at codon 1189 of the COL3A1 protein. Computational prediction is inconclusive regarding the impact of this variant on protein structure and function (internally defined REVEL score threshold 0.5 < inconclusive < 0.7, PMID: 27666373). To our knowledge, functional studies have not been reported for this variant. This variant has not been reported in individuals affected with cardiovascular disorders in the literature. This variant has been identified in 3/251250 chromosomes in the general population by the Genome Aggregation Database (gnomAD). The available evidence is insufficient to determine the role of this variant in disease conclusively. Therefore, this variant is classified as a Variant of Uncertain Significance.

This study involves interpretation of variants in research participants for the purpose of population health screening. Participant phenotype was not available at the time of variant classification. Additional details can be found in publication PMID: 35346344, PMCID: PMC8962531

Blueprint Genetics
Classification: Uncertain significance. Last evaluated: 2023-11-23. Review status: criteria provided, single submitter. Criteria: ACMG Guidelines, 2015. Collection method: clinical testing. Allele origin: germline.

Fulgent Genetics
Classification: Uncertain significance for Ehlers-Danlos syndrome, type 4; Polymicrogyria with or without vascular-type Ehlers-Danlos syndrome. Last evaluated: 2021-10-09. Review status: criteria provided, single submitter. Criteria: ACMG Guidelines, 2015. Collection method: clinical testing. Allele origin: unknown.

NM_000090.4(COL3A1):c.3566C>T (p.Pro1189Leu)

Gene: COL3A1 (collagen type III alpha 1 chain; plus strand). Cytogenetic location: 2q32.2.
Variant type: single nucleotide variant.
Coding change: c.3566C>T on transcript NM_000090.4 (MANE Select); coding-DNA position 3566, C replaced by T.
Protein change: p.Pro1189Leu; replaces proline 1189 with leucine.
Molecular consequence: missense variant.
Genome position (GRCh38, 1-based): chr2:189,008,964, C>T. VCF-style: chr2-189008964-C-T. GRCh37 (hg19) VCF-style: chr2-189873690-C-T.
Other names: short protein forms P1189L.
Identifiers: ClinVar variation 529322 (VCV000529322.17), dbSNP rs752598062, ClinGen allele CA076189.